The following is an entry in ClinVar:

NM_013432.5(TONSL):c.2546G>A (p.Arg849His)

Genes: TONSL (tonsoku like, DNA repair protein; minus strand), TONSL-AS1 (TONSL antisense RNA 1; plus strand). Cytogenetic location: 8q24.3.
Variant type: single nucleotide variant.
Coding change: c.2546G>A on transcript NM_013432.5 (MANE Select); coding-DNA position 2546, G replaced by A.
Protein change: p.Arg849His; replaces arginine 849 with histidine.
Molecular consequence: missense variant.
Genome position (GRCh38, 1-based): chr8:144,435,887, C>T on the plus strand (G>A on the coding strand, the complement: TONSL is on the minus strand). VCF-style: chr8-144435887-C-T. GRCh37 (hg19) VCF-style: chr8-145661270-C-T.
Other names: short protein forms R849H.
Identifiers: ClinVar variation 1435617 (VCV001435617.4), dbSNP rs767466576, ClinGen allele CA4942788.

ClinVar aggregate classification (germline): Conflicting classifications of pathogenicity. Review status: criteria provided, conflicting classifications (1 of 4 stars). 2 submissions from 2 submitters: Uncertain significance (1); Likely benign (1). Last evaluated 2024-10-17.

Allele frequency attached by ClinVar (database versions not stated): ExAC 0.00010; TOPMed 0.00012; gnomAD 0.00013 and 0.00014; gnomAD exomes 0.00013.
gnomAD v4.1: 206 of 1,597,786 alleles (0.013%); highest among the groups gnomAD compares: Middle Eastern, 0.017%; no homozygotes.

Submissions (2):

Blueprint Genetics
Classification: Likely benign. Last evaluated: 2024-10-17. Review status: criteria provided, single submitter. Criteria: ACMG Guidelines, 2015. Collection method: clinical testing. Allele origin: germline.

Labcorp Genetics (formerly Invitae), Labcorp
Classification: Uncertain significance. Last evaluated: 2022-09-27. Review status: criteria provided, single submitter. Criteria: Invitae Variant Classification Sherloc (09022015). Collection method: clinical testing. Allele origin: germline.
Comment: This sequence change replaces arginine, which is basic and polar, with histidine, which is basic and polar, at codon 849 of the TONSL protein (p.Arg849His). This variant is present in population databases (rs767466576, gnomAD 0.02%). This variant has not been reported in the literature in individuals affected with TONSL-related conditions. ClinVar contains an entry for this variant (Variation ID: 1435617). Advanced modeling of protein sequence and biophysical properties (such as structural, functional, and spatial information, amino acid conservation, physicochemical variation, residue mobility, and thermodynamic stability) performed at Invitae indicates that this missense variant is not expected to disrupt TONSL protein function. In summary, the available evidence is currently insufficient to determine the role of this variant in disease. Therefore, it has been classified as a Variant of Uncertain Significance.